The following is an entry in ClinVar:

NM_001002294.3(FMO3):c.442G>A (p.Gly148Arg)

Genes: FMO3 (flavin containing dimethylaniline monoxygenase 3; plus strand), LOC126805916 (BRD4-independent group 4 enhancer GRCh37_chr1:171076844-171078043; plus strand). Cytogenetic location: 1q24.3.
Variant type: single nucleotide variant.
Coding change: c.442G>A on transcript NM_001002294.3 (MANE Select); coding-DNA position 442, G replaced by A.
Protein change: p.Gly148Arg; replaces glycine 148 with arginine.
Molecular consequence: missense variant.
Genome position (GRCh38, 1-based): chr1:171,107,795, G>A. VCF-style: chr1-171107795-G-A. GRCh37 (hg19) VCF-style: chr1-171076936-G-A.
Other names: c.382G>A, p.Gly128Arg (NM_001319173.2); c.253G>A, p.Gly85Arg (NM_001319174.2); c.442G>A, p.Gly148Arg (NM_006894.6); short protein forms G148R, G85R, G128R.
Identifiers: ClinVar variation 562009 (VCV000562009.4), dbSNP rs72549325, ClinGen allele CA1240538.
Genomic context (GRCh38, chr1:171,107,795, plus strand): 5'-ACCACTGAAAGGGATGGTAAAAAAGAATCGGCTGTCTTTGATGCTGTAATGGTTTGTTCC[G>A]GACATCATGTGTATCCCAACCTACCAAAAGAGTCCTTTCCAGGTAAGGCCAAAATTTAAG-3'
Protein context (NP_001002294.1, residues 138-158): AVFDAVMVCS[Gly148Arg]HHVYPNLPKE

ClinVar aggregate classification (germline): Likely pathogenic. Review status: criteria provided, single submitter (1 of 4 stars). 2 submissions from 2 submitters: Likely pathogenic (1). 1 of the submissions does not count toward it. Last evaluated 2024-09-03.

Conditions:
Trimethylaminuria (TMAU). Also called: Fish malodor syndrome; Stale fish syndrome; TMAuria; Primary Trimethylaminuria; FISH-ODOR SYNDROME. Identifiers: MedGen C0342739, MONDO:0011182, OMIM 602079, HP:0003614. Disease mechanism: loss of function.

Allele frequency attached by ClinVar (database versions not stated): TOPMed 0.00003; gnomAD 0.00010.
gnomAD v4.1: 44 of 1,613,736 alleles (0.0027%); highest among the groups gnomAD compares: Non-Finnish European, 0.0034%; no homozygotes.

Submissions (2):

Dasa
Classification: Likely pathogenic. Last evaluated: 2024-09-03. Review status: criteria provided, single submitter. Criteria: DASA Assertion Criteria. Collection method: clinical testing. Allele origin: germline.
Comment: NM_001002294.3(FMO3):c.442G>A (p.Gly148Arg) is a missense variant that results in the substitution of glycine with arginine. This variant has been observed in affected individuals with FMO3-related disorders. Also, this variant is rare in population databases. Computational evidence supports a deleterious effect. Based on the currently available evidence, this variant is classified as likely pathogenic.

Hehr Laboratory, Center for Human Genetics Regensburg
Classification: Likely pathogenic for Trimethylaminuria. Last evaluated: 2016-12-01. Review status: no assertion criteria provided. Collection method: clinical testing. Allele origin: maternal. Affected: yes. Observed: 1 compound heterozygote. Not counted in ClinVar's aggregate classification.